The following is an entry in ClinVar:

NM_005862.3(STAG1):c.179T>C (p.Ile60Thr)

Gene: STAG1 (STAG1 cohesin complex component; minus strand). Cytogenetic location: 3q22.3.
Variant type: single nucleotide variant.
Coding change: c.179T>C on transcript NM_005862.3 (MANE Select); coding-DNA position 179, T replaced by C.
Protein change: p.Ile60Thr; replaces isoleucine 60 with threonine.
Molecular consequence: missense variant.
Genome position (GRCh38, 1-based): chr3:136,604,427, A>G on the plus strand (T>C on the coding strand, the complement: STAG1 is on the minus strand). VCF-style: chr3-136604427-A-G. GRCh37 (hg19) VCF-style: chr3-136323269-A-G.
Other names: short protein forms I60T.
Identifiers: ClinVar variation 4056072 (VCV004056072.1).

ClinVar aggregate classification (germline): Uncertain significance (1 of 4 stars; one submission).

gnomAD v4.1: 2 of 1,613,000 alleles (0.00012%); highest among the groups gnomAD compares: Non-Finnish European, 0.00017%; no homozygotes.

Submission:

GeneDx
Classification: Uncertain significance. Last evaluated: 2025-01-07. Review status: criteria provided, single submitter. Criteria: GeneDx Variant Classification Process June 2021. Collection method: clinical testing. Allele origin: germline. Affected: yes.
Comment: Not observed at significant frequency in large population cohorts (gnomAD); In silico analysis indicates that this missense variant does not alter protein structure/function; Has not been previously published as pathogenic or benign to our knowledge